The following is an entry in ClinVar:

ClinVar aggregate classification (germline): Uncertain significance (1 of 4 stars; one submission).

Conditions:
RYR1-related disorder. Also called: RYR1-related condition; RYR1-related disorders. Identifiers: MedGen CN239331.

gnomAD v4.1: 1 of 1,613,204 alleles (0.000062%); highest among the groups gnomAD compares: Non-Finnish European, 0.000085%; no homozygotes.

Submission:

Labcorp Genetics (formerly Invitae), Labcorp
Classification: Uncertain significance for RYR1-related disorder. Last evaluated: 2024-05-24. Review status: criteria provided, single submitter. Criteria: Invitae Variant Classification Sherloc (09022015). Collection method: clinical testing. Allele origin: germline.
Comment: This sequence change replaces valine, which is neutral and non-polar, with phenylalanine, which is neutral and non-polar, at codon 1830 of the RYR1 protein (p.Val1830Phe). This variant is not present in population databases (gnomAD no frequency). This variant has not been reported in the literature in individuals affected with RYR1-related conditions. Advanced modeling of protein sequence and biophysical properties (such as structural, functional, and spatial information, amino acid conservation, physicochemical variation, residue mobility, and thermodynamic stability) has been performed at Invitae for this missense variant, however the output from this modeling did not meet the statistical confidence thresholds required to predict the impact of this variant on RYR1 protein function. In summary, the available evidence is currently insufficient to determine the role of this variant in disease. Therefore, it has been classified as a Variant of Uncertain Significance.

NM_000540.3(RYR1):c.5488G>T (p.Val1830Phe)

Gene: RYR1 (ryanodine receptor 1; plus strand). Cytogenetic location: 19q13.2.
Variant type: single nucleotide variant.
Coding change: c.5488G>T on transcript NM_000540.3 (MANE Select); coding-DNA position 5488, G replaced by T.
Protein change: p.Val1830Phe; replaces valine 1830 with phenylalanine.
Molecular consequence: missense variant.
Genome position (GRCh38, 1-based): chr19:38,486,143, G>T. VCF-style: chr19-38486143-G-T. GRCh37 (hg19) VCF-style: chr19-38976783-G-T.
Other names: c.5488G>T, p.Val1830Phe (NM_001042723.2); short protein forms V1830F.
Identifiers: ClinVar variation 3719876 (VCV003719876.2).